The following is an entry in ClinVar:

ClinVar aggregate classification (germline): Uncertain significance (1 of 4 stars; one submission).

Conditions:
Mitochondrial complex II deficiency, nuclear type 1. Also called: SUCCINATE CoQ REDUCTASE DEFICIENCY. Identifiers: Orphanet 3208, MedGen C5700310, MONDO:0100294, OMIM 252011.
Pheochromocytoma/paraganglioma syndrome 5. Also called: Paragangliomas 5; SDHA-Related Hereditary Paraganglioma-Pheochromocytoma Syndrome. Identifiers: Orphanet 29072, MedGen C3279992, MONDO:0013602, OMIM 614165.

Submissions (2):

Labcorp Genetics (formerly Invitae), Labcorp
Classification: Uncertain significance for Pheochromocytoma/paraganglioma syndrome 5; Mitochondrial complex II deficiency, nuclear type 1. Last evaluated: 2024-12-15. Review status: criteria provided, single submitter. Criteria: Invitae Variant Classification Sherloc (09022015). Collection method: clinical testing. Allele origin: germline.
Comment: This sequence change replaces arginine, which is basic and polar, with isoleucine, which is neutral and non-polar, at codon 355 of the SDHA protein (p.Arg355Ile). This variant also falls at the last nucleotide of exon 8, which is part of the consensus splice site for this exon. This variant is not present in population databases (gnomAD no frequency). This variant has not been reported in the literature in individuals affected with SDHA-related conditions. ClinVar contains an entry for this variant (Variation ID: 1024244). An algorithm developed to predict the effect of missense changes on protein structure and function (PolyPhen-2) suggests that this variant is likely to be disruptive. Variants that disrupt the consensus splice site are a relatively common cause of aberrant splicing (PMID: 17576681, 9536098). Algorithms developed to predict the effect of sequence changes on RNA splicing suggest that this variant may disrupt the consensus splice site. In summary, the available evidence is currently insufficient to determine the role of this variant in disease. Therefore, it has been classified as a Variant of Uncertain Significance.

Dr. Peter K. Rogan Lab, Western University
No classification provided (evidence only). Condition: Malignant tumor of esophagus. Review status: no classification provided. Collection method: in vitro. Allele origin: not applicable. Functional consequence: retained intron. Not counted in ClinVar's aggregate classification.

Literature cited by the submitters: PubMed 17576681 (cited by Labcorp Genetics (formerly Invitae), Labcorp); PubMed 9536098 (cited by Labcorp Genetics (formerly Invitae), Labcorp).

NM_004168.4(SDHA):c.1064G>T (p.Arg355Ile)

Gene: SDHA (succinate dehydrogenase complex flavoprotein subunit A; plus strand). Cytogenetic location: 5p15.33.
Variant type: single nucleotide variant.
Coding change: c.1064G>T on transcript NM_004168.4 (MANE Select); coding-DNA position 1064, G replaced by T.
Protein change: p.Arg355Ile; replaces arginine 355 with isoleucine.
Molecular consequence: missense variant.
Genome position (GRCh38, 1-based): chr5:233,645, G>T. VCF-style: chr5-233645-G-T. GRCh37 (hg19) VCF-style: chr5-233760-G-T.
Other names: c.920G>T, p.Arg307Ile (NM_001294332.2); c.1064G>T, p.Arg355Ile (NM_001330758.2); short protein forms R307I, R355I.
Identifiers: ClinVar variation 1024244 (VCV001024244.10), dbSNP rs1735568346, ClinGen allele CA359013031.